The following is an entry in ClinVar:

NM_006516.4(SLC2A1):c.646A>G (p.Ile216Val)

Gene: SLC2A1 (solute carrier family 2 member 1; minus strand). Cytogenetic location: 1p34.2.
Variant type: single nucleotide variant.
Coding change: c.646A>G on transcript NM_006516.4 (MANE Select); coding-DNA position 646, A replaced by G.
Protein change: p.Ile216Val; replaces isoleucine 216 with valine.
Molecular consequence: missense variant.
Genome position (GRCh38, 1-based): chr1:42,929,906, T>C on the plus strand (A>G on the coding strand, the complement: SLC2A1 is on the minus strand). VCF-style: chr1-42929906-T-C. GRCh37 (hg19) VCF-style: chr1-43395577-T-C.
Other names: short protein forms I216V.
Identifiers: ClinVar variation 1308217 (VCV001308217.8), dbSNP rs2124449273, ClinGen allele CA339958521.
Genomic context (GRCh38, chr1:42,929,906, plus strand): 5'-GGGAGGAGGGCAGGGCCATGCCCGTACCACTCTTGGCCCGGTTCTCCTCGTTGCGGTTGA[T>C]GAGCAGGAAGCGGGGACTCTCGGGGCAGAAGGGCAGCACGATGCACTGCAGCAGGGCCGG-3'
Protein context (NP_006507.2, residues 206-226): FCPESPRFLL[Ile216Val]NRNEENRAKS

ClinVar aggregate classification (germline): Uncertain significance. Review status: criteria provided, multiple submitters, no conflicts (2 of 4 stars). 7 submissions from 3 submitters: Uncertain significance (7). Last evaluated 2025-08-27.

Conditions:
Hereditary cryohydrocytosis with reduced stomatin. Also called: GLUT1 DEFICIENCY SYNDROME WITH PSEUDOHYPERKALEMIA AND HEMOLYSIS; Stomatin-deficient cryohydrocytosis with neurologic defects. Identifiers: Orphanet 168577, MedGen C1837206, MONDO:0012143, OMIM 608885.
GLUT1 deficiency syndrome 1, autosomal recessive. Identifiers: MedGen C3149117.
Childhood onset GLUT1 deficiency syndrome 2. Also called: GLUT1 deficiency syndrome 2; Paroxysmal exercise-induced dystonia; PxMD-SLC2A1; PAROXYSMAL EXERCISE-INDUCED DYSKINESIA WITH OR WITHOUT EPILEPSY AND/OR HEMOLYTIC ANEMIA; PAROXYSMAL EXERTION-INDUCED DYSTONIA WITH OR WITHOUT EPILEPSY AND/OR HEMOLYTIC ANEMIA; PED WITH OR WITHOUT EPILEPSY AND/OR HEMOLYTIC ANEMIA. Identifiers: Orphanet 98811, MedGen C1842534, MONDO:0012805, OMIM 612126.
Encephalopathy due to GLUT1 deficiency. Also called: De Vivo disease; GLUT1 deficiency syndrome 1, infantile onset, severe; GLUCOSE TRANSPORT DEFECT, BLOOD-BRAIN BARRIER; Classic Glucose Transporter Type 1 Deficiency Syndrome; Glucose transporter protein syndrome; GLUT1 deficiency syndrome 1. Identifiers: Orphanet 71277, MedGen C4551966, MONDO:0011724, OMIM 606777.
Dystonia 9 (DYT9). Also called: CHOREOATHETOSIS, KINESIGENIC, WITH EPISODIC ATAXIA AND SPASTICITY. Identifiers: Orphanet 53583, MedGen C1832855, MONDO:0010983, OMIM 601042.
Epilepsy, idiopathic generalized, susceptibility to, 12 (EIG12). Identifiers: MedGen C3553859, MONDO:0013919, OMIM 614847.

Submissions (7):

GeneDx
Classification: Uncertain significance. Last evaluated: 2025-08-27. Review status: criteria provided, single submitter. Criteria: GeneDx Variant Classification Process June 2021. Collection method: clinical testing. Allele origin: germline. Affected: yes.
Comment: Not observed at significant frequency in large population cohorts (gnomAD); In silico analysis suggests that this missense variant does not alter protein structure/function; Has not been previously published as pathogenic or benign to our knowledge

Genome-Nilou Lab
Classification: Uncertain significance for Epilepsy, idiopathic generalized, susceptibility to, 12. Last evaluated: 2023-04-11. Review status: criteria provided, single submitter. Criteria: ACMG Guidelines, 2015. Collection method: clinical testing. Allele origin: germline. Affected: no.

Genome-Nilou Lab
Classification: Uncertain significance for Dystonia 9. Last evaluated: 2023-04-11. Review status: criteria provided, single submitter. Criteria: ACMG Guidelines, 2015. Collection method: clinical testing. Allele origin: germline. Affected: no.

Genome-Nilou Lab
Classification: Uncertain significance for Encephalopathy due to GLUT1 deficiency. Last evaluated: 2023-04-11. Review status: criteria provided, single submitter. Criteria: ACMG Guidelines, 2015. Collection method: clinical testing. Allele origin: germline. Affected: no.

Genome-Nilou Lab
Classification: Uncertain significance for Childhood onset GLUT1 deficiency syndrome 2. Last evaluated: 2023-04-11. Review status: criteria provided, single submitter. Criteria: ACMG Guidelines, 2015. Collection method: clinical testing. Allele origin: germline. Affected: no.

Genome-Nilou Lab
Classification: Uncertain significance for Hereditary cryohydrocytosis with reduced stomatin. Last evaluated: 2023-04-11. Review status: criteria provided, single submitter. Criteria: ACMG Guidelines, 2015. Collection method: clinical testing. Allele origin: germline. Affected: no.

Labcorp Genetics (formerly Invitae), Labcorp
Classification: Uncertain significance for GLUT1 deficiency syndrome 1, autosomal recessive. Last evaluated: 2022-05-05. Review status: criteria provided, single submitter. Criteria: Invitae Variant Classification Sherloc (09022015). Collection method: clinical testing. Allele origin: germline.
Comment: This variant has not been reported in the literature in individuals affected with SLC2A1-related conditions. This variant is not present in population databases (gnomAD no frequency). This sequence change replaces isoleucine, which is neutral and non-polar, with valine, which is neutral and non-polar, at codon 216 of the SLC2A1 protein (p.Ile216Val). ClinVar contains an entry for this variant (Variation ID: 1308217). In summary, the available evidence is currently insufficient to determine the role of this variant in disease. Therefore, it has been classified as a Variant of Uncertain Significance. Algorithms developed to predict the effect of missense changes on protein structure and function (SIFT, PolyPhen-2, Align-GVGD) all suggest that this variant is likely to be tolerated.